The following is an entry in ClinVar:

NM_001165963.4(SCN1A):c.1978C>A (p.Pro660Thr)

Gene: SCN1A (sodium voltage-gated channel alpha subunit 1; minus strand). Cytogenetic location: 2q24.3.
Variant type: single nucleotide variant.
Coding change: c.1978C>A on transcript NM_001165963.4 (MANE Select); coding-DNA position 1978, C replaced by A.
Protein change: p.Pro660Thr; replaces proline 660 with threonine.
Molecular consequence: missense variant. On other transcripts: 5 prime UTR variant (1), non-coding transcript variant (1), intron variant (4).
Genome position (GRCh38, 1-based): chr2:166,043,734, G>T on the plus strand (C>A on the coding strand, the complement: SCN1A is on the minus strand). VCF-style: chr2-166043734-G-T. GRCh37 (hg19) VCF-style: chr2-166900244-G-T.
Other names: c.1978C>A, p.Pro660Thr (NM_001202435.3, NM_001353948.2, NM_001353949.2 and 4 more transcripts); c.1975C>A, p.Pro659Thr (NM_001353954.2, NM_001353955.2); c.-448C>A (NM_001353961.2); c.1959+19C>A (NM_001353958.2, NM_001353957.2, NM_001165964.3); c.1956+19C>A (NM_001353960.2); short protein forms P659T, P660T.
Identifiers: ClinVar variation 2159359 (VCV002159359.4), dbSNP rs2468150792, ClinGen allele CA349067168.

ClinVar aggregate classification (germline): Uncertain significance (1 of 4 stars; one submission).

Conditions:
Early-infantile DEE. Also called: Ohtahara syndrome; Early infantile epileptic encephalopathy with suppression bursts; Early infantile epileptic encephalopathy. Identifiers: Orphanet 1934, MedGen C0393706, MONDO:0800491.

Submission:

Labcorp Genetics (formerly Invitae), Labcorp
Classification: Uncertain significance for Early-infantile DEE. Last evaluated: 2022-05-29. Review status: criteria provided, single submitter. Criteria: Invitae Variant Classification Sherloc (09022015). Collection method: clinical testing. Allele origin: germline.
Comment: This sequence change replaces proline, which is neutral and non-polar, with threonine, which is neutral and polar, at codon 660 of the SCN1A protein (p.Pro660Thr). This missense change has been observed in individual(s) with clinical features of SCN1A-related conditions (PMID: 30619928). This variant is not present in population databases (gnomAD no frequency). In summary, the available evidence is currently insufficient to determine the role of this variant in disease. Therefore, it has been classified as a Variant of Uncertain Significance. Advanced modeling of protein sequence and biophysical properties (such as structural, functional, and spatial information, amino acid conservation, physicochemical variation, residue mobility, and thermodynamic stability) performed at Invitae indicates that this missense variant is not expected to disrupt SCN1A protein function.

Literature cited by the submitters: PubMed 30619928.